The following is an entry in ClinVar:

NM_003749.3(IRS2):c.2645G>C (p.Gly882Ala)

Gene: IRS2 (insulin receptor substrate 2; minus strand). Cytogenetic location: 13q34.
Variant type: single nucleotide variant.
Coding change: c.2645G>C on transcript NM_003749.3 (MANE Select); coding-DNA position 2645, G replaced by C.
Protein change: p.Gly882Ala; replaces glycine 882 with alanine.
Molecular consequence: missense variant.
Genome position (GRCh38, 1-based): chr13:109,783,409, C>G on the plus strand (G>C on the coding strand, the complement: IRS2 is on the minus strand). VCF-style: chr13-109783409-C-G. GRCh37 (hg19) VCF-style: chr13-110435756-C-G.
Other names: short protein forms G882A.
Identifiers: ClinVar variation 717659 (VCV000717659.7), dbSNP rs201499247, ClinGen allele CA7046301.

ClinVar aggregate classification (germline): Likely benign. Review status: criteria provided, multiple submitters, no conflicts (2 of 4 stars). 3 submissions from 3 submitters: Likely benign (2). 1 of the submissions does not count toward it. Last evaluated 2019-12-31.

Conditions:
IRS2-related disorder. Also called: IRS2-related condition.

Allele frequency attached by ClinVar (database versions not stated): ESP Exome Variant Server 0.00080; 1000 Genomes Project 0.00200; 1000 Genomes Project 30x 0.00250; gnomAD 0.00273 and 0.00276; TOPMed 0.00284; gnomAD exomes 0.00397 and 0.00434; ExAC 0.00631.
gnomAD v4.1: 6,226 of 1,486,234 alleles (0.42%); highest among the groups gnomAD compares: Non-Finnish European, 0.48%; 18 homozygotes.

Submissions (3):

Labcorp Genetics (formerly Invitae), Labcorp
Classification: Likely benign. Last evaluated: 2019-12-31. Review status: criteria provided, single submitter. Criteria: Invitae Variant Classification Sherloc (09022015). Collection method: clinical testing. Allele origin: germline.

Breakthrough Genomics
Classification: Likely benign. Review status: criteria provided, single submitter. Criteria: ACMG Guidelines, 2015. Collection method: not provided. Allele origin: germline. Inheritance: Autosomal dominant inheritance. Affected: yes.

PreventionGenetics, part of Exact Sciences
Classification: Benign for IRS2-related condition. Last evaluated: 2019-09-30. Review status: no assertion criteria provided. Collection method: clinical testing. Allele origin: germline. Not counted in ClinVar's aggregate classification.
Comment: This variant is classified as benign based on ACMG/AMP sequence variant interpretation guidelines (Richards et al. 2015 PMID: 25741868, with internal and published modifications).